The following is an entry in ClinVar:

NM_005120.3(MED12):c.553+302C>G

Gene: MED12 (mediator complex subunit 12; plus strand). Cytogenetic location: Xq13.1.
Variant type: single nucleotide variant.
Coding change: c.553+302C>G on transcript NM_005120.3 (MANE Select); 302 bases into the intron after coding-DNA position 553, C replaced by G.
Molecular consequence: intron variant.
Genome position (GRCh38, 1-based): chrX:71,120,472, C>G. VCF-style: chrX-71120472-C-G. GRCh37 (hg19) VCF-style: chrX-70340322-C-G.
Identifiers: ClinVar variation 683968 (VCV000683968.1), dbSNP rs62609584, ClinGen allele CA330975175.
Genomic context (GRCh38, chrX:71,120,472, plus strand): 5'-TGTACAAATAACATAATTAAATATAGAAAGTGGTGAATGTCAAGCTAGGAGCAGAAGGTT[C>G]TTTGAGTGGACAAAAGATTACTTTCTTATGGGGGTACCCGGAAAGGCTTTAGGAAGGTGG-3'

ClinVar aggregate classification (germline): Benign (1 of 4 stars; one submission).

Allele frequency attached by ClinVar (database versions not stated): TOPMed 0.21282; 1000 Genomes Project 30x 0.11759; 1000 Genomes Project 0.11391.
gnomAD v4.1: 24,349 of 109,386 alleles (22%); highest among the groups gnomAD compares: Middle Eastern, 47%; 2,621 homozygotes.

Submission:

GeneDx
Classification: Benign. Last evaluated: 2018-06-14. Review status: criteria provided, single submitter. Criteria: GeneDx Variant Classification (06012015). Collection method: clinical testing. Allele origin: germline. Affected: yes.
Comment: This variant is considered likely benign or benign based on one or more of the following criteria: it is a conservative change, it occurs at a poorly conserved position in the protein, it is predicted to be benign by multiple in silico algorithms, and/or has population frequency not consistent with disease.